The following is an entry in ClinVar:

ClinVar aggregate classification (germline): Likely benign (1 of 4 stars; one submission).

Conditions:
Cardiomyopathy (CMYO). Also called: Cardiomyopathies. Identifiers: Orphanet 167848, MedGen C0878544, MONDO:0004994, HP:0001638. Inheritance: Various modes of inheritance.

Allele frequency attached by ClinVar (database versions not stated): ExAC 0.00001.
gnomAD v4.1: 6 of 1,614,044 alleles (0.00037%); highest among the groups gnomAD compares: Non-Finnish European, 0.00042%; no homozygotes.

Submission:

All of Us Research Program, National Institutes of Health
Classification: Likely benign for Cardiomyopathy. Last evaluated: 2023-06-26. Review status: criteria provided, single submitter. Criteria: ACMG Guidelines, 2015. Collection method: clinical testing. Allele origin: germline. Inheritance: Autosomal dominant inheritance. Observed: 1 variant allele, 1 heterozygote.
Comment: This study involves interpretation of variants in research participants for the purpose of population health screening. Participant phenotype was not available at the time of variant classification. Additional details can be found in publication PMID: 35346344, PMCID: PMC8962531

NM_000257.4(MYH7):c.1578+4C>A

Gene: MYH7 (myosin heavy chain 7; minus strand). Cytogenetic location: 14q11.2.
Variant type: single nucleotide variant.
Coding change: c.1578+4C>A on transcript NM_000257.4 (MANE Select); 4 bases into the intron after coding-DNA position 1578, C replaced by A.
Molecular consequence: intron variant.
Genome position (GRCh38, 1-based): chr14:23,428,496, G>T on the plus strand (C>A on the coding strand, the complement: MYH7 is on the minus strand). VCF-style: chr14-23428496-G-T. GRCh37 (hg19) VCF-style: chr14-23897705-G-T.
Other names: c.1578+4C>A (NM_001407004.1).
Identifiers: ClinVar variation 3072070 (VCV003072070.1), dbSNP rs747654335, ClinGen allele CA028801.